The following is an entry in ClinVar:

NM_000124.4(ERCC6):c.2955_2956del (p.Arg985fs)

Gene: ERCC6 (ERCC excision repair 6, chromatin remodeling factor; minus strand). Cytogenetic location: 10q11.23.
Variant type: Microsatellite.
Coding change: c.2955_2956del on transcript NM_000124.4 (MANE Select); coding-DNA positions 2955 to 2956, 2 bases deleted (AG; older notation c.2955_2956delAG).
Protein change: p.Arg985fs; shifts the reading frame from arginine 985.
Molecular consequence: frameshift variant.
Genome position (GRCh38, 1-based): chr10:49,471,089-49,471,090, CT deleted on the plus strand (AG on the coding strand, the reverse complement: ERCC6 is on the minus strand); deleting any 2 consecutive bases within chr10:49,471,089-49,471,092 gives the same sequence; the c. name uses the placement nearest the transcript's 3' end. VCF-style (leftmost placement, unchanged base first): chr10-49471088-ACT-A. GRCh37 (hg19) VCF-style: chr10-50679134-ACT-A.
Other names: c.2955_2956del, p.Arg985fs (NM_001346440.2); short protein forms R985fs.
Identifiers: ClinVar variation 5012420 (VCV005012420.1).
Genomic context (GRCh38, chr10:49,471,088, plus strand): 5'-GTAAATAGCTCATAGAGATCATTGGATTTGAAAAACCGCCTTTGTTTTGGGTCTTTTAGC[ACT>A]CTATTTGTCAAAAACTGCTTGAAGATTTGTCTAAAAAAATAAAAGATAAGCTGGTATAAA-3'

ClinVar aggregate classification (germline): Pathogenic (1 of 4 stars; one submission).

Conditions:
Cockayne spectrum with or without cerebrooculofacioskeletal syndrome. Identifiers: MedGen CN315928, MONDO:0100506.

Submission:

Myriad Genetics, Inc.
Classification: Pathogenic for Cockayne spectrum with or without cerebrooculofacioskeletal syndrome. Last evaluated: 2023-10-24. Review status: criteria provided, single submitter. Criteria: Myriad Autosomal Dominant, Autosomal Recessive and X-Linked Classification Criteria (2023). Collection method: clinical testing. Allele origin: unknown.
Comment: NM_000124.2(ERCC6):c.2955_2956delAG(R985Sfs*15) is expected to be pathogenic in the context of ERCC6-related disorders. This variant is predicted to lead to an abnormal or absent protein product due to the creation of a premature termination codon in ERCC6, a gene where loss-of-function variants are known to be pathogenic. Please note: this variant was assessed in the context of healthy population screening.